The following is an entry in ClinVar:

NM_000179.3(MSH6):c.1982del (p.Gly661fs)

Gene: MSH6 (mutS homolog 6; plus strand). Cytogenetic location: 2p16.3.
Variant type: Deletion.
Coding change: c.1982del on transcript NM_000179.3 (MANE Select); coding-DNA position 1982, one base deleted (G; older notation c.1982delG).
Protein change: p.Gly661fs; shifts the reading frame from glycine 661.
Molecular consequence: frameshift variant.
Genome position (GRCh38, 1-based): chr2:47,799,965, G deleted; the last of 2 consecutive G bases (chr2:47,799,964-47,799,965); deleting either gives the same sequence. VCF-style (leftmost placement, unchanged base first): chr2-47799963-AG-A. GRCh37 (hg19) VCF-style: chr2-48027102-AG-A.
Other names: c.1592del, p.Gly531fs (NM_001281492.2); c.1076del, p.Gly359fs (NM_001281493.2, NM_001281494.2); short protein forms G359fs, G531fs, G661fs.
Identifiers: ClinVar variation 1049770 (VCV001049770.1), dbSNP rs2104380327, ClinGen allele CA2499216111.

ClinVar aggregate classification (germline): Pathogenic (0 of 4 stars; one submission).

Conditions:
Carcinoma of colon (CRC). Also called: Colonic carcinoma; Colon carcinoma. Identifiers: MedGen C0699790, MONDO:0002032.

Submission:

Department of Pathology and Laboratory Medicine, Sinai Health System
Classification: Pathogenic for Carcinoma of colon. Review status: no assertion criteria provided. Collection method: clinical testing. Allele origin: unknown. Affected: yes. Study: The Canadian Open Genetics Repository (COGR).
Comment: The MSH6 p.Gly661Valfs*2 variant was identified in the literature in the HCT-116 colorectal cancer cell line, however the frequency of this variant in an affected population was not provided (Berg 2017). The variant was not identified in dbSNP, ClinVar, UMD-LSDB, the Exome Aggregation Consortium (August 8th 2016), or the Genome Aggregation Database (Feb 27, 2017). The c.1982del variant is predicted to cause a frameshift, which alters the protein's amino acid sequence beginning at codon 1982 and leads to a premature stop codon 2 bases downstream. This alteration is then predicted to result in a truncated or absent protein and loss of function. Loss of function variants of the MSH6 gene are an established mechanism of disease in Lynch Syndrome and is the type of variant expected to cause the disorder. In summary, based on the above information this variant meets our laboratoryâ€šÃ„Ã´s criteria to be classified as pathogenic.